The following is an entry in ClinVar:

ClinVar aggregate classification (germline): Likely benign. Review status: criteria provided, multiple submitters, no conflicts (2 of 4 stars). 2 submissions from 2 submitters: Likely benign (2). Last evaluated 2018-06-16.

Allele frequency attached by ClinVar (database versions not stated): 1000 Genomes Project 0.00159; 1000 Genomes Project 30x 0.00166; TOPMed 0.00300; gnomAD 0.00388 and 0.00406.
gnomAD v4.1: 4,798 of 918,809 alleles (0.52%); highest among the groups gnomAD compares: Middle Eastern, 0.66%; 11 homozygotes.

Submissions (2):

GeneDx
Classification: Likely benign. Last evaluated: 2018-06-16. Review status: criteria provided, single submitter. Criteria: GeneDx Variant Classification (06012015). Collection method: clinical testing. Allele origin: germline. Affected: yes.
Comment: This variant is considered likely benign or benign based on one or more of the following criteria: it is a conservative change, it occurs at a poorly conserved position in the protein, it is predicted to be benign by multiple in silico algorithms, and/or has population frequency not consistent with disease.

Breakthrough Genomics
Classification: Likely benign. Review status: criteria provided, single submitter. Criteria: ACMG Guidelines, 2015. Collection method: not provided. Allele origin: germline. Inheritance: X-linked inheritance. Affected: yes.

NM_005765.3(ATP6AP2):c.38-104G>A

Gene: ATP6AP2 (ATPase H+ transporting accessory protein 2; plus strand). Cytogenetic location: Xp11.4.
Variant type: single nucleotide variant.
Coding change: c.38-104G>A on transcript NM_005765.3 (MANE Select); 104 bases into the intron before coding-DNA position 38, G replaced by A.
Molecular consequence: intron variant.
Genome position (GRCh38, 1-based): chrX:40,588,882, G>A. VCF-style: chrX-40588882-G-A. GRCh37 (hg19) VCF-style: chrX-40448134-G-A.
Identifiers: ClinVar variation 677623 (VCV000677623.2), dbSNP rs140986900, ClinGen allele CA328984283.